The following is an entry in ClinVar:

NM_003500.4(ACOX2):c.936C>T (p.Ala312=)

Gene: ACOX2 (acyl-CoA oxidase 2; minus strand). Cytogenetic location: 3p14.3.
Variant type: single nucleotide variant.
Coding change: c.936C>T on transcript NM_003500.4 (MANE Select); coding-DNA position 936, C replaced by T.
Protein change: p.Ala312=; no amino-acid change (alanine 312 retained).
Molecular consequence: synonymous variant.
Genome position (GRCh38, 1-based): chr3:58,530,522, G>A on the plus strand (C>T on the coding strand, the complement: ACOX2 is on the minus strand). VCF-style: chr3-58530522-G-A. GRCh37 (hg19) VCF-style: chr3-58516249-G-A.
Identifiers: ClinVar variation 4990518 (VCV004990518.1).

ClinVar aggregate classification (germline): Likely benign (1 of 4 stars; one submission).

Conditions:
ACOX2-related disorder. Also called: ACOX2-related condition.

gnomAD v4.1: 3 of 1,614,146 alleles (0.00019%); highest among the groups gnomAD compares: African/African-American, 0.004%; no homozygotes.

Submission:

PreventionGenetics, part of Exact Sciences
Classification: Likely benign for ACOX2-related condition. Last evaluated: 2026-03-31. Review status: criteria provided, single submitter. Criteria: ACMG Guidelines, 2015. Collection method: clinical testing. Allele origin: germline.
Comment: This variant is classified as likely benign based on ACMG/AMP sequence variant interpretation guidelines (Richards et al. 2015 PMID: 25741868, with internal and published modifications).